The following is an entry in ClinVar:

NM_024422.6(DSC2):c.1932dup (p.Ser645fs)

Gene: DSC2 (desmocollin 2; minus strand). Cytogenetic location: 18q12.1.
Variant type: Duplication.
Coding change: c.1932dup on transcript NM_024422.6 (MANE Select); coding-DNA position 1932, one base duplicated (C; older notation c.1932dupC).
Protein change: p.Ser645fs; shifts the reading frame from serine 645.
Molecular consequence: frameshift variant.
Genome position (GRCh38, 1-based): chr18:31,071,798, G duplicated on the plus strand (C on the coding strand, the reverse complement: DSC2 is on the minus strand). VCF-style (leftmost placement, unchanged base first): chr18-31071797-A-AG. GRCh37 (hg19) VCF-style: chr18-28651763-A-AG.
Other names: c.1932dupC (NM_024422.3); c.1932dup, p.Ser645fs (NM_004949.5); short protein forms S645fs.
Identifiers: ClinVar variation 1384108 (VCV001384108.8), dbSNP rs1448467079, ClinGen allele CA629452987.

ClinVar aggregate classification (germline): Conflicting classifications of pathogenicity. Review status: criteria provided, conflicting classifications (1 of 4 stars). 3 submissions from 3 submitters: Pathogenic (2); Uncertain significance (1). Last evaluated 2024-08-13.

Conditions:
Familial isolated arrhythmogenic right ventricular dysplasia. Identifiers: Orphanet 217656, MedGen C4274968, MONDO:0016342.
Arrhythmogenic right ventricular dysplasia 11. Also called: Arrhythmogenic right ventricular dysplasia 11 with mild palmoplantar keratoderma and woolly hair; Arrhythmogenic Right Ventricular Dysplasia/Cardiomyopathy11; ARRHYTHMOGENIC RIGHT VENTRICULAR DYSPLASIA, FAMILIAL, 11. Identifiers: MedGen C1864850, MONDO:0012506, OMIM 610476.
Cardiovascular phenotype. Identifiers: MedGen CN230736.

Allele frequency attached by ClinVar (database versions not stated): gnomAD exomes below 0.00001; TOPMed below 0.00001.

Submissions (3):

Ambry Genetics
Classification: Pathogenic for Cardiovascular phenotype. Last evaluated: 2024-08-13. Review status: criteria provided, single submitter. Criteria: Ambry Variant Classification Scheme 2023. Collection method: clinical testing. Allele origin: germline.
Comment: The c.1932dupC (p.S645Lfs*11) alteration, located in exon 13 (coding exon 13) of the DSC2 gene, consists of a duplication of C at position 1932, causing a translational frameshift with a predicted alternate stop codon after 11 amino acids. This alteration is expected to result in loss of function by premature protein truncation or nonsense-mediated mRNA decay. Based on data from gnomAD, the CC allele has an overall frequency of <0.001% (1/250652) total alleles studied. The highest observed frequency was 0.001% (1/113126) of European (non-Finnish) alleles. Based on the available evidence, this alteration is classified as pathogenic.

Labcorp Genetics (formerly Invitae), Labcorp
Classification: Pathogenic for Arrhythmogenic right ventricular dysplasia 11. Last evaluated: 2024-04-03. Review status: criteria provided, single submitter. Criteria: Invitae Variant Classification Sherloc (09022015). Collection method: clinical testing. Allele origin: germline.
Comment: This sequence change creates a premature translational stop signal (p.Ser645Leufs*11) in the DSC2 gene. It is expected to result in an absent or disrupted protein product. Loss-of-function variants in DSC2 are known to be pathogenic (PMID: 23911551). This variant is present in population databases (no rsID available, gnomAD 0.0009%). This variant has not been reported in the literature in individuals affected with DSC2-related conditions. ClinVar contains an entry for this variant (Variation ID: 1384108). For these reasons, this variant has been classified as Pathogenic.

All of Us Research Program, National Institutes of Health
Classification: Uncertain significance for Familial isolated arrhythmogenic right ventricular dysplasia. Last evaluated: 2023-04-03. Review status: criteria provided, single submitter. Criteria: ACMG Guidelines, 2015. Collection method: clinical testing. Allele origin: germline. Inheritance: Autosomal dominant inheritance. Observed: 1 variant allele, 1 heterozygote.
Comment: This variant inserts 1 nucleotide in exon 13 of the DSC2 gene, creating a frameshift and premature translation stop signal. This variant is expected to result in an absent or non-functional protein product. To our knowledge, this variant has not been reported in individuals affected with cardiovascular disorders in the literature. This variant has been identified in 1/250652 chromosomes in the general population by the Genome Aggregation Database (gnomAD). Although there is a suspicion for a pathogenic role, the clinical relevance of loss-of-function DSC2 truncation and splice variants in autosomal dominant arrhythmogenic cardiomyopathy is not yet clearly established. The available evidence is insufficient to determine the role of this variant in disease conclusively. Therefore, this variant is classified as a Variant of Uncertain Significance.

This study involves interpretation of variants in research participants for the purpose of population health screening. Participant phenotype was not available at the time of variant classification. Additional details can be found in publication PMID: 35346344, PMCID: PMC8962531

Literature cited by the submitters: PubMed 23911551 (cited by Labcorp Genetics (formerly Invitae), Labcorp).